The following is an entry in ClinVar:

NM_000080.4(CHRNE):c.1261C>G (p.Arg421Gly)

Gene: CHRNE (cholinergic receptor nicotinic epsilon subunit; minus strand). Cytogenetic location: 17p13.2.
Variant type: single nucleotide variant.
Coding change: c.1261C>G on transcript NM_000080.4 (MANE Select); coding-DNA position 1261, C replaced by G.
Protein change: p.Arg421Gly; replaces arginine 421 with glycine.
Molecular consequence: missense variant.
Genome position (GRCh38, 1-based): chr17:4,899,066, G>C on the plus strand (C>G on the coding strand, the complement: CHRNE is on the minus strand). VCF-style: chr17-4899066-G-C. GRCh37 (hg19) VCF-style: chr17-4802361-G-C.
Other names: short protein forms R421G.
Identifiers: ClinVar variation 1717212 (VCV001717212.5), dbSNP rs369709668, ClinGen allele CA397298504.
Genomic context (GRCh38, chr17:4,899,066, plus strand): 5'-CGGTGGCCTCCTGATCTCTCGTGCTCTCGGCCACGAAGTTCACGGCATCCACACAGCAGC[G>C]GACCTCGGGGGCGGCGGCGCCCAGGCTCTGGCAGAAGGCAGCTGGCGGGGAAAACACCGG-3'
Protein context (NP_000071.1, residues 411-431): QSLGAAAPEV[Arg421Gly]CCVDAVNFVA

ClinVar aggregate classification (germline): Uncertain significance (1 of 4 stars; one submission).

Conditions:
Congenital myasthenic syndrome 4A. Also called: MYASTHENIC SYNDROME, CONGENITAL, 4A, SLOW-CHANNEL, AUTOSOMAL RECESSIVE; Myasthenic syndrome, congenital, 4a, slow-channel; CONGENITAL MYASTHENIC SYNDROME TYPE Ia1. Identifiers: Orphanet 590, MedGen C4225413, MONDO:0011600, OMIM 605809.

Submission:

Labcorp Genetics (formerly Invitae), Labcorp
Classification: Uncertain significance for Congenital myasthenic syndrome 4A. Last evaluated: 2025-10-02. Review status: criteria provided, single submitter. Criteria: Invitae Variant Classification Sherloc (09022015). Collection method: clinical testing. Allele origin: germline.
Comment: This sequence change replaces arginine, which is basic and polar, with glycine, which is neutral and non-polar, at codon 421 of the CHRNE protein (p.Arg421Gly). This variant is not present in population databases (gnomAD no frequency). This variant has not been reported in the literature in individuals affected with CHRNE-related conditions. ClinVar contains an entry for this variant (Variation ID: 1717212). Invitae Evidence Modeling of protein sequence and biophysical properties (such as structural, functional, and spatial information, amino acid conservation, physicochemical variation, residue mobility, and thermodynamic stability) indicates that this missense variant is not expected to disrupt CHRNE protein function with a negative predictive value of 80%. In summary, the available evidence is currently insufficient to determine the role of this variant in disease. Therefore, it has been classified as a Variant of Uncertain Significance.